The following is an entry in ClinVar:

NM_001458.5(FLNC):c.6275A>G (p.Glu2092Gly)

Genes: FLNC-AS1 (FLNC antisense RNA 1; minus strand), FLNC (filamin C; plus strand). Cytogenetic location: 7q32.1.
Variant type: single nucleotide variant.
Coding change: c.6275A>G on transcript NM_001458.5 (MANE Select); coding-DNA position 6275, A replaced by G.
Protein change: p.Glu2092Gly; replaces glutamic acid 2092 with glycine.
Molecular consequence: missense variant.
Genome position (GRCh38, 1-based): chr7:128,853,535, A>G. VCF-style: chr7-128853535-A-G. GRCh37 (hg19) VCF-style: chr7-128493589-A-G.
Other names: c.6176A>G, p.Glu2059Gly (NM_001127487.2); short protein forms E2092G, E2059G.
Identifiers: ClinVar variation 1439847 (VCV001439847.6), dbSNP rs1808914162, ClinGen allele CA369211988.

ClinVar aggregate classification (germline): Uncertain significance (1 of 4 stars; one submission).

Conditions:
Myofibrillar myopathy 5. Also called: FILAMINOPATHY, AUTOSOMAL DOMINANT; Filaminopathy (type). Identifiers: Orphanet 171445, MedGen C1836050, MONDO:0012289, OMIM 609524.
Distal myopathy with posterior leg and anterior hand involvement. Also called: WILLIAMS DISTAL MYOPATHY. Identifiers: Orphanet 63273, MedGen C3279722, MONDO:0013550, OMIM 614065.
Hypertrophic cardiomyopathy 26. Also called: Cardiomyopathy, familial hypertrophic, 26. Identifiers: Orphanet 75249, MedGen C4310749, MONDO:0014883, OMIM 617047.

Submission:

Labcorp Genetics (formerly Invitae), Labcorp
Classification: Uncertain significance for Distal myopathy with posterior leg and anterior hand involvement; Myofibrillar myopathy 5; Hypertrophic cardiomyopathy 26. Last evaluated: 2021-09-25. Review status: criteria provided, single submitter. Criteria: Invitae Variant Classification Sherloc (09022015). Collection method: clinical testing. Allele origin: germline.
Comment: In summary, the available evidence is currently insufficient to determine the role of this variant in disease. Therefore, it has been classified as a Variant of Uncertain Significance. Algorithms developed to predict the effect of missense changes on protein structure and function are either unavailable or do not agree on the potential impact of this missense change (SIFT: "Deleterious"; PolyPhen-2: "Probably Damaging"; Align-GVGD: "Class C0"). This variant has not been reported in the literature in individuals affected with FLNC-related conditions. This variant is not present in population databases (ExAC no frequency). This sequence change replaces glutamic acid with glycine at codon 2092 of the FLNC protein (p.Glu2092Gly). The glutamic acid residue is highly conserved and there is a moderate physicochemical difference between glutamic acid and glycine.